The following is an entry in ClinVar:

NM_001868.4(CPA1):c.844T>C (p.Ser282Pro)

Gene: CPA1 (carboxypeptidase A1; plus strand). Cytogenetic location: 7q32.2.
Variant type: single nucleotide variant.
Coding change: c.844T>C on transcript NM_001868.4 (MANE Select); coding-DNA position 844, T replaced by C.
Protein change: p.Ser282Pro; replaces serine 282 with proline.
Molecular consequence: missense variant.
Genome position (GRCh38, 1-based): chr7:130,385,202, T>C. VCF-style: chr7-130385202-T-C. GRCh37 (hg19) VCF-style: chr7-130025043-T-C.
Other names: short protein forms S282P.
Identifiers: ClinVar variation 2136614 (VCV002136614.5), dbSNP rs781820716, ClinGen allele CA4484976.

ClinVar aggregate classification (germline): Pathogenic. Review status: criteria provided, multiple submitters, no conflicts (2 of 4 stars). 2 submissions from 2 submitters: Pathogenic (2). Last evaluated 2024-04-25.

Conditions:
CPA1-related disorder. Also called: CPA1-related condition.

Allele frequency attached by ClinVar (database versions not stated): ExAC 0.00001.

Submissions (2):

Labcorp Genetics (formerly Invitae), Labcorp
Classification: Pathogenic. Last evaluated: 2024-04-25. Review status: criteria provided, single submitter. Criteria: Invitae Variant Classification Sherloc (09022015). Collection method: clinical testing. Allele origin: germline.
Comment: This sequence change replaces serine, which is neutral and polar, with proline, which is neutral and non-polar, at codon 282 of the CPA1 protein (p.Ser282Pro). This variant is present in population databases (rs781820716, gnomAD 0.0009%). This missense change has been observed in individuals with hereditary pancreatitis (PMID: 28258133; Invitae). It has also been observed to segregate with disease in related individuals. ClinVar contains an entry for this variant (Variation ID: 2136614). Advanced modeling of protein sequence and biophysical properties (such as structural, functional, and spatial information, amino acid conservation, physicochemical variation, residue mobility, and thermodynamic stability) performed at Invitae indicates that this missense variant is expected to disrupt CPA1 protein function with a positive predictive value of 80%. Experimental studies have shown that this missense change affects CPA1 function (PMID: 28258133, 36555104). For these reasons, this variant has been classified as Pathogenic.

Blueprint Genetics
Classification: Pathogenic for CPA1-related disorders. Last evaluated: 2023-01-20. Review status: criteria provided, single submitter. Criteria: ACMG Guidelines, 2015. Collection method: clinical testing. Allele origin: germline. Affected: yes. Observed: 1 variant allele.

Literature cited by the submitters: PubMed 28258133 (cited by Labcorp Genetics (formerly Invitae), Labcorp); PubMed 36555104 (cited by Labcorp Genetics (formerly Invitae), Labcorp).